The following is an entry in ClinVar:

NM_152703.5(SAMD9L):c.3750del (p.Ser1251fs)

Gene: SAMD9L (sterile alpha motif domain containing 9 like; minus strand). Cytogenetic location: 7q21.2.
Variant type: Deletion.
Coding change: c.3750del on transcript NM_152703.5 (MANE Select); coding-DNA position 3750, one base deleted (T; older notation c.3750delT).
Protein change: p.Ser1251fs; shifts the reading frame from serine 1251.
Molecular consequence: frameshift variant.
Genome position (GRCh38, 1-based): chr7:93,132,222, A deleted on the plus strand (T on the coding strand, the reverse complement: SAMD9L is on the minus strand); the first of 2 consecutive A bases (chr7:93,132,222-93,132,223); deleting either gives the same sequence. VCF-style (leftmost placement, unchanged base first): chr7-93132221-TA-T. GRCh37 (hg19) VCF-style: chr7-92761534-TA-T.
Other names: c.3750del, p.Ser1251fs (NM_001303496.3, NM_001303497.3, NM_001303498.3 and 5 more transcripts); short protein forms S1251fs.
Identifiers: ClinVar variation 4720221 (VCV004720221.1).

ClinVar aggregate classification (germline): Uncertain significance (1 of 4 stars; one submission).

Submission:

Labcorp Genetics (formerly Invitae), Labcorp
Classification: Uncertain significance. Last evaluated: 2025-05-25. Review status: criteria provided, single submitter. Criteria: Invitae Variant Classification Sherloc (09022015). Collection method: clinical testing. Allele origin: germline.
Comment: This sequence change creates a premature translational stop signal (p.Ser1251Alafs*7) in the SAMD9L gene. While this is not anticipated to result in nonsense mediated decay, it is expected to disrupt the last 334 amino acid(s) of the SAMD9L protein. This variant is not present in population databases (gnomAD no frequency). This variant has not been reported in the literature in individuals affected with SAMD9L-related conditions. Experimental studies and prediction algorithms are not available or were not evaluated, and the functional significance of this variant is currently unknown. In summary, the available evidence is currently insufficient to determine the role of this variant in disease. Therefore, it has been classified as a Variant of Uncertain Significance.